The following is an entry in ClinVar:

GRCh37/hg19 13q21.33-33.1(chr13:73132193-104595598)x1

Genes: ABCC4 (ATP binding cassette subfamily C member 4 (PEL blood group); minus strand), ACOD1 (aconitate decarboxylase 1; plus strand), BIVM (basic, immunoglobulin-like variable motif containing; plus strand), BIVM-ERCC5 (BIVM-ERCC5 readthrough; plus strand), BORA (BORA aurora kinase A activator; plus strand) and 75 more. Cytogenetic location: 13q21.33-33.1.
Variant type: copy number loss.
Change: copy number 1 (one copy instead of two) of chr13:73,132,193-104,595,598 (31.46 Mb, GRCh37 coordinates, 1-based), cytogenetic band 13q21.33-33.1.
Identifiers: ClinVar variation 2685473 (VCV002685473.1).

ClinVar aggregate classification (germline): Pathogenic (1 of 4 stars; one submission).

Submission:

Quest Diagnostics Nichols Institute San Juan Capistrano
Classification: Pathogenic. Last evaluated: 2023-01-20. Review status: criteria provided, single submitter. Criteria: ACMG/ClinGen CNV Guidelines, 2019. Collection method: clinical testing. Allele origin: unknown.
Comment: This copy number loss of 13q21.33q33.1 involves several protein-coding genes and encompasses the region associated with 13q32 deletion syndrome (OMIM 156600). Haploinsufficiency of ZIC2 is associated with autosomal dominant holoprosencephaly-5 (HPE5; OMIM 609637; Roessler 2009). Patients with deletions of ZIC2 and ZIC5 have been reported with Dandy-Walker syndrome (Mademont-Soler 2010, Mimaki 2015, Kotani 2022, Bellucco 2019). In addition, loss of GPC5 and GPC6 is proposed to be associated with finger anomalies such as oligodactyly (Kotani 20222, van der Zwaag 2010). Therefore, based on gene content and current medical literature, this copy number variant (CNV) is classified as pathogenic. References: Bellucco et al., Mol Syndromol. 2019 May;10(3):139-146. PMID: 31191202 Kirchhoff et al., Am J Med Genet A. 2009 May;149A(5):894-905. PMID: 19363806 Kotani et al., J Med Case Rep. 2022 Dec 27;16(1):481. PMID: 36572904 Li et al., Indian J Pediatr. 2019 Mar;86(3):303-305. PMID: 30406597 Mademont-Soler et al., Am J Med Genet A. 2010 Sep;152A(9):2308-12. PMID: 20683983 Mimaki et al., Brain Dev. 2015 Aug;37(7):714-8. PMID: 25454392 Roessler et al., Hum Mutat. 2009 Apr;30(4):E541-54. PMID: 19177455 van der Zwaag et al., Eur J Med Genet. 2010 Jan-Feb;53(1):45-9. PMID: 19941983